The following is an entry in ClinVar:

ClinVar aggregate classification (germline): Uncertain significance. Review status: criteria provided, multiple submitters, no conflicts (2 of 4 stars). 2 submissions from 2 submitters: Uncertain significance (2). Last evaluated 2025-12-16.

Conditions:
Brugada syndrome. Also called: Sudden unexplained nocturnal death syndrome; Sudden unexpected nocturnal death syndrome; Sudden Unexplained Death Syndrome; Sudden Unexplained Nocturnal Death Syndrome (SUNDS). Identifiers: Orphanet 130, MedGen C1142166, MONDO:0015263.
Cardiovascular phenotype. Identifiers: MedGen CN230736.

gnomAD v4.1: 35 of 1,612,920 alleles (0.0022%); highest among the groups gnomAD compares: Non-Finnish European, 0.0028%; no homozygotes.

Submissions (2):

Labcorp Genetics (formerly Invitae), Labcorp
Classification: Uncertain significance for Brugada syndrome. Last evaluated: 2025-12-16. Review status: criteria provided, single submitter. Criteria: Invitae Variant Classification Sherloc (09022015). Collection method: clinical testing. Allele origin: germline.
Comment: This sequence change replaces tyrosine, which is neutral and polar, with cysteine, which is neutral and slightly polar, at codon 1071 of the CACNA2D1 protein (p.Tyr1071Cys). This variant is present in population databases (no rsID available, gnomAD 0.0009%). This variant has not been reported in the literature in individuals affected with CACNA2D1-related conditions. ClinVar contains an entry for this variant (Variation ID: 3994524). An algorithm developed to predict the effect of missense changes on protein structure and function outputs the following: PolyPhen-2: "Benign". The cysteine amino acid residue is found in multiple mammalian species, which suggests that this missense change does not adversely affect protein function. In summary, the available evidence is currently insufficient to determine the role of this variant in disease. Therefore, it has been classified as a Variant of Uncertain Significance.

Ambry Genetics
Classification: Uncertain significance for Cardiovascular phenotype. Last evaluated: 2025-04-20. Review status: criteria provided, single submitter. Criteria: Ambry Variant Classification Scheme 2023. Collection method: clinical testing. Allele origin: germline.
Comment: The p.Y1071C variant (also known as c.3212A>G), located in coding exon 39 of the CACNA2D1 gene, results from an A to G substitution at nucleotide position 3212. The tyrosine at codon 1071 is replaced by cysteine, an amino acid with highly dissimilar properties. This amino acid position is conserved. In addition, this alteration is predicted to be tolerated by in silico analysis. Based on the available evidence, the clinical significance of this variant remains unclear.

NM_000722.4(CACNA2D1):c.3212A>G (p.Tyr1071Cys)

Gene: CACNA2D1 (calcium voltage-gated channel auxiliary subunit alpha2delta 1; minus strand). Cytogenetic location: 7q21.11.
Variant type: single nucleotide variant.
Coding change: c.3212A>G on transcript NM_000722.4 (MANE Select); coding-DNA position 3212, A replaced by G.
Protein change: p.Tyr1071Cys; replaces tyrosine 1071 with cysteine.
Molecular consequence: missense variant.
Genome position (GRCh38, 1-based): chr7:81,950,456, T>C on the plus strand (A>G on the coding strand, the complement: CACNA2D1 is on the minus strand). VCF-style: chr7-81950456-T-C. GRCh37 (hg19) VCF-style: chr7-81579772-T-C.
Other names: c.3248A>G, p.Tyr1083Cys (NM_001366867.1); short protein forms Y1071C, Y1083C.
Identifiers: ClinVar variation 3994524 (VCV003994524.2).
Genomic context (GRCh38, chr7:81,950,456, plus strand): 5'-AACAGGCGGTGTGTGCTGCCAGATACCAGCCAAAGTAGTAGAAACTGGATTCCAATGATA[T>C]ACCACAGGGAGGGATTTAATCCAGAAACACCACCACAGTCAGTATAATCCTCCTGTTGTT-3'
Protein context (NP_000713.2, residues 1061-1081): GVSGLNPSLW[Tyr1071Cys]IIGIQFLLLW